The following is an entry in ClinVar:

NM_001605.3(AARS1):c.2569C>G (p.Leu857Val)

Gene: AARS1 (alanyl-tRNA synthetase 1; minus strand). Cytogenetic location: 16q22.1.
Variant type: single nucleotide variant.
Coding change: c.2569C>G on transcript NM_001605.3 (MANE Select); coding-DNA position 2569, C replaced by G.
Protein change: p.Leu857Val; replaces leucine 857 with valine.
Molecular consequence: missense variant.
Genome position (GRCh38, 1-based): chr16:70,253,752, G>C on the plus strand (C>G on the coding strand, the complement: AARS1 is on the minus strand). VCF-style: chr16-70253752-G-C. GRCh37 (hg19) VCF-style: chr16-70287655-G-C.
Other names: short protein forms L857V.
Identifiers: ClinVar variation 837961 (VCV000837961.9), dbSNP rs780261077, ClinGen allele CA8140362.

ClinVar aggregate classification (germline): Uncertain significance (1 of 4 stars; one submission).

Conditions:
Charcot-Marie-Tooth disease type 2. Also called: Charcot-Marie-Tooth type 2. Identifiers: Orphanet 64746, MedGen C0270914, MONDO:0018993.

Allele frequency attached by ClinVar (database versions not stated): ExAC 0.00001; gnomAD 0.00001; gnomAD exomes below 0.00001; TOPMed 0.00001.
gnomAD v4.1: 1 of 1,614,086 alleles (0.000062%); highest among the groups gnomAD compares: Non-Finnish European, 0.000085%; no homozygotes.

Submission:

Labcorp Genetics (formerly Invitae), Labcorp
Classification: Uncertain significance for Charcot-Marie-Tooth disease type 2. Last evaluated: 2025-07-06. Review status: criteria provided, single submitter. Criteria: Invitae Variant Classification Sherloc (09022015). Collection method: clinical testing. Allele origin: germline.
Comment: This sequence change replaces leucine, which is neutral and non-polar, with valine, which is neutral and non-polar, at codon 857 of the AARS protein (p.Leu857Val). This variant is present in population databases (rs780261077, gnomAD 0.002%). This variant has not been reported in the literature in individuals affected with AARS-related conditions. ClinVar contains an entry for this variant (Variation ID: 837961). Invitae Evidence Modeling of protein sequence and biophysical properties (such as structural, functional, and spatial information, amino acid conservation, physicochemical variation, residue mobility, and thermodynamic stability) indicates that this missense variant is not expected to disrupt AARS protein function with a negative predictive value of 95%. In summary, the available evidence is currently insufficient to determine the role of this variant in disease. Therefore, it has been classified as a Variant of Uncertain Significance.